The following is an entry in ClinVar:

ClinVar aggregate classification (germline): Uncertain significance (1 of 4 stars; one submission).

Conditions:
Metachromatic leukodystrophy (MLD). Also called: Cerebral sclerosis diffuse metachromatic form; Arylsulfatase A Deficiency; METACHROMATIC LEUKOENCEPHALOPATHY; SULFATIDE LIPIDOSIS; ARSA DEFICIENCY; CEREBROSIDE SULFATASE DEFICIENCY. Identifiers: Orphanet 512, MedGen C0023522, MONDO:0018868, OMIM 250100.

Submission:

Neuberg Centre For Genomic Medicine, NCGM
Classification: Uncertain significance for Metachromatic leukodystrophy. Review status: criteria provided, single submitter. Criteria: ACMG Guidelines, 2015. Collection method: clinical testing. Allele origin: germline. Inheritance: Autosomal recessive inheritance. Affected: yes.
Comment: The missense variant c.545C>A (p.Pro182Gln) in ARSA gene has not been reported previously as a pathogenic variant nor as a benign variant, to our knowledge. The p.Pro182Gln variant is novel (not in any individuals) in gnomAD Exomes and 1000 Genomes. The amino acid Pro at position 182 is changed to a Gln changing protein sequence and it might alter its composition and physico-chemical properties. The variant is predicted to be damaging by both SIFT and PolyPhen2. The residue is conserved across species. The amino acid change p.Pro182Gln in ARSA is predicted as conserved by GERP++ and PhyloP across 100 vertebrates. For these reasons, this variant has been classified as Uncertain Significance .

NM_000487.6(ARSA):c.545C>A (p.Pro182Gln)

Gene: ARSA (arylsulfatase A; minus strand). Cytogenetic location: 22q13.33.
Variant type: single nucleotide variant.
Coding change: c.545C>A on transcript NM_000487.6 (MANE Select); coding-DNA position 545, C replaced by A.
Protein change: p.Pro182Gln; replaces proline 182 with glutamine.
Molecular consequence: missense variant.
Genome position (GRCh38, 1-based): chr22:50,626,973, G>T on the plus strand (C>A on the coding strand, the complement: ARSA is on the minus strand). VCF-style: chr22-50626973-G-T. GRCh37 (hg19) VCF-style: chr22-51065401-G-T.
Other names: c.545C>A, p.Pro182Gln (NM_001085425.3, NM_001085426.3, NM_001085427.3); c.287C>A, p.Pro96Gln (NM_001085428.3, NM_001362782.2); short protein forms P182Q, P96Q.
Identifiers: ClinVar variation 2585139 (VCV002585139.1), dbSNP rs1135401755, ClinGen allele CA412177606.